The following is an entry in ClinVar:

ClinVar aggregate classification (germline): Uncertain significance (1 of 4 stars; one submission).

Conditions:
TTN-related disorder. Also called: TTN-related disorders; TTN-related condition; TTN-related disease.

Submission:

PreventionGenetics, part of Exact Sciences
Classification: Uncertain significance for TTN-related condition. Last evaluated: 2026-02-05. Review status: criteria provided, single submitter. Criteria: ACMG Guidelines, 2015. Collection method: clinical testing. Allele origin: germline.
Comment: The TTN c.17098G>A variant is predicted to result in the amino acid substitution p.Val5700Ile. To our knowledge, this variant has not been reported in the literature or in a large population database (gnomAD), indicating this variant is rare. At this time, the clinical significance of this variant is uncertain due to the absence of conclusive functional and genetic evidence.

NM_001267550.2(TTN):c.17098G>A (p.Val5700Ile)

Genes: TTN (titin; minus strand), LOC126806431 (CDK7 strongly-dependent group 2 enhancer GRCh37_chr2:179595719-179596918; plus strand). Cytogenetic location: 2q31.2.
Variant type: single nucleotide variant.
Coding change: c.17098G>A on transcript NM_001267550.2 (MANE Select); coding-DNA position 17098, G replaced by A.
Protein change: p.Val5700Ile; replaces valine 5700 with isoleucine.
Molecular consequence: missense variant. On other transcripts: intron variant (3).
Genome position (GRCh38, 1-based): chr2:178,731,777, C>T on the plus strand (G>A on the coding strand, the complement: TTN is on the minus strand). VCF-style: chr2-178731777-C-T. GRCh37 (hg19) VCF-style: chr2-179596504-C-T.
Other names: c.16147G>A, p.Val5383Ile (NM_001256850.1); c.13366G>A, p.Val4456Ile (NM_133378.4); c.13282+6305G>A (NM_003319.4); c.13858+6305G>A (NM_133437.4); c.13657+6305G>A (NM_133432.3); short protein forms V5383I, V4456I, V5700I.
Identifiers: ClinVar variation 4996640 (VCV004996640.1).